The following is an entry in ClinVar:

ClinVar aggregate classification (germline): Uncertain significance (1 of 4 stars; one submission).

Allele frequency attached by ClinVar (database versions not stated): gnomAD exomes below 0.00001.

Submission:

GeneDx
Classification: Uncertain significance. Last evaluated: 2022-11-17. Review status: criteria provided, single submitter. Criteria: GeneDx Variant Classification Process June 2021. Collection method: clinical testing. Allele origin: germline. Affected: yes.
Comment: Not observed at significant frequency in large population cohorts (gnomAD); Has not been previously published as pathogenic or benign to our knowledge

NM_003849.4(SUCLG1):c.-2del

Gene: SUCLG1 (succinate-CoA ligase GDP/ADP-forming subunit alpha; minus strand). Cytogenetic location: 2p11.2.
Variant type: Deletion.
Coding change: c.-2del on transcript NM_003849.4 (MANE Select); 2 bases upstream of the start codon, one base deleted (G; older notation c.-2delG).
Molecular consequence: 5 prime UTR variant.
Genome position (GRCh38, 1-based): chr2:84,459,271, C deleted on the plus strand (G on the coding strand, the reverse complement: SUCLG1 is on the minus strand). VCF-style (leftmost placement, unchanged base first): chr2-84459270-AC-A. GRCh37 (hg19) VCF-style: chr2-84686394-AC-A.
Identifiers: ClinVar variation 2502757 (VCV002502757.1), dbSNP rs2468658832, ClinGen allele CA2580611671.